The following is an entry in ClinVar:

ClinVar aggregate classification (germline): Uncertain significance (1 of 4 stars; one submission).

Conditions:
Ellis-van Creveld syndrome (EVC). Also called: EVC-Related Ellis-van Creveld Syndrome; EVC2-Related Ellis-van Creveld Syndrome; Chondroectodermal dysplasia; MESOECTODERMAL DYSPLASIA. Identifiers: Orphanet 289, MedGen C0013903, MONDO:0009162, OMIM 225500.
Curry-Hall syndrome (WAD). Also called: WEYERS ACRODENTAL DYSOSTOSIS. Identifiers: Orphanet 952, MedGen C0457013, MONDO:0008673, OMIM 193530.

gnomAD v4.1: 1 of 1,608,834 alleles (0.000062%); highest among the groups gnomAD compares: Non-Finnish European, 0.000085%; no homozygotes.

Submission:

Labcorp Genetics (formerly Invitae), Labcorp
Classification: Uncertain significance for Curry-Hall syndrome; Ellis-van Creveld syndrome. Last evaluated: 2024-02-23. Review status: criteria provided, single submitter. Criteria: Invitae Variant Classification Sherloc (09022015). Collection method: clinical testing. Allele origin: germline.
Comment: This sequence change replaces alanine, which is neutral and non-polar, with glutamic acid, which is acidic and polar, at codon 1129 of the EVC2 protein (p.Ala1129Glu). The frequency data for this variant in the population databases is considered unreliable, as metrics indicate poor data quality at this position in the gnomAD database. This variant has not been reported in the literature in individuals affected with EVC2-related conditions. ClinVar contains an entry for this variant (Variation ID: 2124947). An algorithm developed to predict the effect of missense changes on protein structure and function (PolyPhen-2) suggests that this variant is likely to be tolerated. In summary, the available evidence is currently insufficient to determine the role of this variant in disease. Therefore, it has been classified as a Variant of Uncertain Significance.

NM_147127.5(EVC2):c.3386C>A (p.Ala1129Glu)

Gene: EVC2 (EvC ciliary complex subunit 2; minus strand). Cytogenetic location: 4p16.2.
Variant type: single nucleotide variant.
Coding change: c.3386C>A on transcript NM_147127.5 (MANE Select); coding-DNA position 3386, C replaced by A.
Protein change: p.Ala1129Glu; replaces alanine 1129 with glutamic acid.
Molecular consequence: missense variant.
Genome position (GRCh38, 1-based): chr4:5,568,615, G>T on the plus strand (C>A on the coding strand, the complement: EVC2 is on the minus strand). VCF-style: chr4-5568615-G-T. GRCh37 (hg19) VCF-style: chr4-5570342-G-T.
Other names: c.3146C>A, p.Ala1049Glu (NM_001166136.2); short protein forms A1049E, A1129E.
Identifiers: ClinVar variation 2124947 (VCV002124947.4), dbSNP rs758710828, ClinGen allele CA2834331.
Genomic context (GRCh38, chr4:5,568,615, plus strand): 5'-GTGGGCAGTACCACACTCAGGAGCCGGCGAAGCGTGGCCCCGGGCACCATGGCCATCCTC[G>T]CCAGGTACGATGCCAGTCTCAGCTCCTACAGGAAACAACAGAGGGAGTTCAGACCCTCGC-3'
Protein context (NP_667338.3, residues 1119-1139): SQELRLASYL[Ala1129Glu]RMAMVPGATL